The following is an entry in ClinVar:

ClinVar aggregate classification (germline): Uncertain significance (1 of 4 stars; one submission).

Conditions:
Hereditary cancer-predisposing syndrome. Also called: Neoplastic Syndromes, Hereditary; Tumor predisposition; Hereditary neoplastic syndrome; Hereditary Cancer Syndrome. Identifiers: Orphanet 140162, MedGen C0027672, MeSH D009386, MONDO:0015356.

gnomAD v4.1: 1 of 1,613,994 alleles (0.000062%); highest among the groups gnomAD compares: Non-Finnish European, 0.000085%; no homozygotes.

Submission:

Ambry Genetics
Classification: Uncertain significance for Hereditary cancer-predisposing syndrome. Last evaluated: 2026-06-25. Review status: criteria provided, single submitter. Criteria: Ambry Variant Classification Scheme 2023. Collection method: clinical testing. Allele origin: germline.
Comment: The p.P490T variant (also known as c.1468C>A), located in coding exon 6 of the BLM gene, results from a C to A substitution at nucleotide position 1468. The proline at codon 490 is replaced by threonine, an amino acid with highly similar properties. This amino acid position is conserved. In addition, this alteration is predicted to be tolerated by in silico analysis. Based on the available evidence, the clinical significance of this variant remains unclear.

NM_000057.4(BLM):c.1468C>A (p.Pro490Thr)

Gene: BLM (BLM RecQ like helicase; plus strand). Cytogenetic location: 15q26.1.
Variant type: single nucleotide variant.
Coding change: c.1468C>A on transcript NM_000057.4 (MANE Select); coding-DNA position 1468, C replaced by A.
Protein change: p.Pro490Thr; replaces proline 490 with threonine.
Molecular consequence: missense variant.
Genome position (GRCh38, 1-based): chr15:90,760,841, C>A. VCF-style: chr15-90760841-C-A. GRCh37 (hg19) VCF-style: chr15-91304071-C-A.
Other names: c.1468C>A, p.Pro490Thr (NM_001287246.2, NM_001287247.2); c.343C>A, p.Pro115Thr (NM_001287248.2); short protein forms P115T, P490T.
Identifiers: ClinVar variation 5032872 (VCV005032872.1).
Genomic context (GRCh38, chr15:90,760,841, plus strand): 5'-CTGACTACCACCCTAGGAAAGACAGGATTCTCTGCCACCAGGAAGAATCTTTTTGAAAGG[C>A]CTTTATTCAATACCCATTTACAGAAGTCCTTTGTAAGTAGCAACTGGGCTGAAACACCAA-3'
Protein context (NP_000048.1, residues 480-500): SATRKNLFER[Pro490Thr]LFNTHLQKSF